The following is an entry in ClinVar:

NM_001127217.3(SMAD9):c.1283G>A (p.Arg428His)

Gene: SMAD9 (SMAD family member 9; minus strand). Cytogenetic location: 13q13.3.
Variant type: single nucleotide variant.
Coding change: c.1283G>A on transcript NM_001127217.3 (MANE Select); coding-DNA position 1283, G replaced by A.
Protein change: p.Arg428His; replaces arginine 428 with histidine.
Molecular consequence: missense variant.
Genome position (GRCh38, 1-based): chr13:36,848,797, C>T on the plus strand (G>A on the coding strand, the complement: SMAD9 is on the minus strand). VCF-style: chr13-36848797-C-T. GRCh37 (hg19) VCF-style: chr13-37422934-C-T.
Other names: c.1172G>A, p.Arg391His (NM_001378621.1, NM_005905.6); short protein forms R391H, R428H.
Identifiers: ClinVar variation 3575889 (VCV003575889.2).

ClinVar aggregate classification (germline): Uncertain significance. Review status: criteria provided, multiple submitters, no conflicts (2 of 4 stars). 2 submissions from 2 submitters: Uncertain significance (2). Last evaluated 2025-09-04.

Conditions:
Pulmonary hypertension, primary, 2. Identifiers: Orphanet 422, MedGen C3888002, MONDO:0014134, OMIM 615342.

Submissions (2):

Labcorp Genetics (formerly Invitae), Labcorp
Classification: Uncertain significance for Pulmonary hypertension, primary, 2. Last evaluated: 2025-09-04. Review status: criteria provided, single submitter. Criteria: Invitae Variant Classification Sherloc (09022015). Collection method: clinical testing. Allele origin: germline.
Comment: This sequence change replaces arginine, which is basic and polar, with histidine, which is basic and polar, at codon 428 of the SMAD9 protein (p.Arg428His). The frequency data for this variant in the population databases is considered unreliable, as metrics indicate poor data quality at this position in the gnomAD database. This variant has not been reported in the literature in individuals affected with SMAD9-related conditions. ClinVar contains an entry for this variant (Variation ID: 3575889). Invitae Evidence Modeling of protein sequence and biophysical properties (such as structural, functional, and spatial information, amino acid conservation, physicochemical variation, residue mobility, and thermodynamic stability) indicates that this missense variant is expected to disrupt SMAD9 protein function with a positive predictive value of 80%. In summary, the available evidence is currently insufficient to determine the role of this variant in disease. Therefore, it has been classified as a Variant of Uncertain Significance.

Fulgent Genetics
Classification: Uncertain significance for Pulmonary hypertension, primary, 2. Last evaluated: 2024-02-02. Review status: criteria provided, single submitter. Criteria: ACMG Guidelines, 2015. Collection method: clinical testing. Allele origin: germline.